The following is an entry in ClinVar:

NM_004963.4(GUCY2C):c.1793C>T (p.Ala598Val)

Gene: GUCY2C (guanylate cyclase 2C; minus strand). Cytogenetic location: 12p12.3.
Variant type: single nucleotide variant.
Coding change: c.1793C>T on transcript NM_004963.4 (MANE Select); coding-DNA position 1793, C replaced by T.
Protein change: p.Ala598Val; replaces alanine 598 with valine.
Molecular consequence: missense variant.
Genome position (GRCh38, 1-based): chr12:14,645,233, G>A on the plus strand (C>T on the coding strand, the complement: GUCY2C is on the minus strand). VCF-style: chr12-14645233-G-A. GRCh37 (hg19) VCF-style: chr12-14798167-G-A.
Other names: short protein forms A598V.
Identifiers: ClinVar variation 2872426 (VCV002872426.3), dbSNP rs2497693582, ClinGen allele CA383986671.

ClinVar aggregate classification (germline): Uncertain significance (1 of 4 stars; one submission).

gnomAD v4.1: 1 of 1,498,872 alleles (0.000067%); highest among the groups gnomAD compares: South Asian, 0.0011%; no homozygotes.

Submission:

Labcorp Genetics (formerly Invitae), Labcorp
Classification: Uncertain significance. Last evaluated: 2022-11-10. Review status: criteria provided, single submitter. Criteria: Invitae Variant Classification Sherloc (09022015). Collection method: clinical testing. Allele origin: germline.
Comment: In summary, the available evidence is currently insufficient to determine the role of this variant in disease. Therefore, it has been classified as a Variant of Uncertain Significance. Advanced modeling of protein sequence and biophysical properties (such as structural, functional, and spatial information, amino acid conservation, physicochemical variation, residue mobility, and thermodynamic stability) performed at Invitae indicates that this missense variant is not expected to disrupt GUCY2C protein function. This variant has not been reported in the literature in individuals affected with GUCY2C-related conditions. This variant is not present in population databases (gnomAD no frequency). This sequence change replaces alanine, which is neutral and non-polar, with valine, which is neutral and non-polar, at codon 598 of the GUCY2C protein (p.Ala598Val).